The following is an entry in ClinVar:

NM_003737.4(DCHS1):c.775C>T (p.Arg259Cys)

Gene: DCHS1 (dachsous cadherin-related 1; minus strand). Cytogenetic location: 11p15.4.
Variant type: single nucleotide variant.
Coding change: c.775C>T on transcript NM_003737.4 (MANE Select); coding-DNA position 775, C replaced by T.
Protein change: p.Arg259Cys; replaces arginine 259 with cysteine.
Molecular consequence: missense variant.
Genome position (GRCh38, 1-based): chr11:6,640,839, G>A on the plus strand (C>T on the coding strand, the complement: DCHS1 is on the minus strand). VCF-style: chr11-6640839-G-A. GRCh37 (hg19) VCF-style: chr11-6662070-G-A.
Other names: c.775C>T (NM_003737.2); short protein forms R259C.
Identifiers: ClinVar variation 3666750 (VCV003666750.3).

ClinVar aggregate classification (germline): Uncertain significance. Review status: criteria provided, multiple submitters, no conflicts (2 of 4 stars). 2 submissions from 2 submitters: Uncertain significance (2). Last evaluated 2025-06-26.

Conditions:
Inborn genetic diseases. Identifiers: MedGen C0950123, MeSH D030342.

gnomAD v4.1: 34 of 1,613,936 alleles (0.0021%); highest among the groups gnomAD compares: East Asian, 0.0045%; no homozygotes.

Submissions (2):

Ambry Genetics
Classification: Uncertain significance for Inborn genetic diseases. Last evaluated: 2025-06-26. Review status: criteria provided, single submitter. Criteria: Ambry Variant Classification Scheme 2023. Collection method: clinical testing. Allele origin: germline.

Labcorp Genetics (formerly Invitae), Labcorp
Classification: Uncertain significance. Last evaluated: 2025-04-03. Review status: criteria provided, single submitter. Criteria: Invitae Variant Classification Sherloc (09022015). Collection method: clinical testing. Allele origin: germline.
Comment: This sequence change replaces arginine, which is basic and polar, with cysteine, which is neutral and slightly polar, at codon 259 of the DCHS1 protein (p.Arg259Cys). This variant is present in population databases (rs752845305, gnomAD 0.005%). This variant has not been reported in the literature in individuals affected with DCHS1-related conditions. ClinVar contains an entry for this variant (Variation ID: 3666750). Invitae Evidence Modeling of protein sequence and biophysical properties (such as structural, functional, and spatial information, amino acid conservation, physicochemical variation, residue mobility, and thermodynamic stability) indicates that this missense variant is not expected to disrupt DCHS1 protein function with a negative predictive value of 95%. In summary, the available evidence is currently insufficient to determine the role of this variant in disease. Therefore, it has been classified as a Variant of Uncertain Significance.